The following is an entry in ClinVar:

ClinVar aggregate classification (germline): Uncertain significance (1 of 4 stars; one submission).

Conditions:
Familial intrahepatic cholestasis. Identifiers: Orphanet 284385, MedGen CN296401, MONDO:0017290.

Submission:

Genomenon, Inc
Classification: Uncertain significance for Familial intrahepatic cholestasis. Last evaluated: 2026-04-14. Review status: criteria provided, single submitter. Criteria: Genomenon Sequence Variant Interpretation Standards - Updated. Collection method: curation. Allele origin: germline. Affected: no.
Comment: ABCB11 p.Gly295Ser (c.883G>A) is a missense variant that changes the amino acid at residue 295 from Glycine to Serine. This variant has been reported in the published literature (PMID:22795478). It is absent or not present at a significant frequency in gnomAD. In silico models predict that this variant is possibly or probably damaging. In conclusion, we classify ABCB11 p.Gly295Ser (c.883G>A) as a variant of uncertain significance.

Literature cited by the submitters: PubMed 22795478.

NM_003742.4(ABCB11):c.883G>A (p.Gly295Ser)

Gene: ABCB11 (ATP binding cassette subfamily B member 11; minus strand). Cytogenetic location: 2q31.1.
Variant type: single nucleotide variant.
Coding change: c.883G>A on transcript NM_003742.4 (MANE Select); coding-DNA position 883, G replaced by A.
Protein change: p.Gly295Ser; replaces glycine 295 with serine.
Molecular consequence: missense variant.
Genome position (GRCh38, 1-based): chr2:168,990,826, C>T on the plus strand (G>A on the coding strand, the complement: ABCB11 is on the minus strand). VCF-style: chr2-168990826-C-T. GRCh37 (hg19) VCF-style: chr2-169847336-C-T.
Other names: short protein forms G295S.
Identifiers: ClinVar variation 4846020 (VCV004846020.1).